The following is an entry in ClinVar:

ClinVar aggregate classification (germline): Benign. Review status: criteria provided, multiple submitters, no conflicts (2 of 4 stars). 3 submissions from 3 submitters: Benign (3). Last evaluated 2018-07-07.

Conditions:
Giant axonal neuropathy 1 (GAN1). Also called: GIANT AXONAL NEUROPATHY 1, AUTOSOMAL RECESSIVE; GAN-Related Neurodegeneration. Identifiers: Orphanet 643, MedGen C1850386, MONDO:0009749, OMIM 256850.

Allele frequency attached by ClinVar (database versions not stated): gnomAD exomes 0.02558; gnomAD 0.05551 and 0.05772; TOPMed 0.05757; 1000 Genomes Project 0.06070; 1000 Genomes Project 30x 0.06340.
gnomAD v4.1: 19,439 of 580,562 alleles (3.3%); highest among the groups gnomAD compares: African/African-American, 14%; 685 homozygotes.

Submissions (3):

GeneDx
Classification: Benign. Last evaluated: 2018-07-07. Review status: criteria provided, single submitter. Criteria: GeneDx Variant Classification Process June 2021. Collection method: clinical testing. Allele origin: germline. Affected: yes.

Illumina Laboratory Services, Illumina
Classification: Benign for Giant axonal neuropathy 1. Last evaluated: 2018-01-12. Review status: criteria provided, single submitter. Criteria: ICSL Variant Classification Criteria 13 December 2019. Collection method: clinical testing. Allele origin: germline.
Comment: This variant was observed in the ICSL laboratory as part of a predisposition screen in an ostensibly healthy population. It had not been previously curated by ICSL or reported in the Human Gene Mutation Database (HGMD: prior to June 1st, 2018), and was therefore a candidate for classification through an automated scoring system. Utilizing variant allele frequency, disease prevalence and penetrance estimates, and inheritance mode, an automated score was calculated to assess if this variant is too frequent to cause the disease. Based on the score and internal cut-off values, a variant classified as benign is not then subjected to further curation. The score for this variant resulted in a classification of benign for this disease.

Breakthrough Genomics
Classification: Benign. Review status: criteria provided, single submitter. Criteria: ACMG Guidelines, 2015. Collection method: not provided. Allele origin: germline. Inheritance: Autosomal recessive inheritance. Affected: yes.

NM_022041.4(GAN):c.*227G>A

Gene: GAN (gigaxonin; plus strand). Cytogenetic location: 16q23.2.
Variant type: single nucleotide variant.
Coding change: c.*227G>A on transcript NM_022041.4 (MANE Select); 227 bases downstream of the stop codon, G replaced by A.
Molecular consequence: 3 prime UTR variant.
Genome position (GRCh38, 1-based): chr16:81,377,823, G>A. VCF-style: chr16-81377823-G-A. GRCh37 (hg19) VCF-style: chr16-81411428-G-A.
Other names: c.*227G>A (NM_001377486.1).
Identifiers: ClinVar variation 888378 (VCV000888378.7), dbSNP rs113970605, ClinGen allele CA14318763.